The following is an entry in ClinVar:

NM_001099402.2(CCNK):c.1A>G (p.Met1Val)

Gene: CCNK (cyclin K; plus strand). Cytogenetic location: 14q32.2.
Variant type: single nucleotide variant.
Coding change: c.1A>G on transcript NM_001099402.2 (MANE Select); coding-DNA position 1, A replaced by G.
Protein change: p.Met1Val; changes the start codon (methionine 1).
Molecular consequence: missense variant, initiator codon variant.
Genome position (GRCh38, 1-based): chr14:99,492,678, A>G. VCF-style: chr14-99492678-A-G. GRCh37 (hg19) VCF-style: chr14-99959015-A-G.
Other names: short protein forms M1V.
Identifiers: ClinVar variation 1708081 (VCV001708081.2), dbSNP rs2504012729, ClinGen allele CA390941300.

ClinVar aggregate classification (germline): Uncertain significance (1 of 4 stars; one submission).

Conditions:
Intellectual developmental disorder with hypertelorism and distinctive facies. Identifiers: MedGen C4748381, MONDO:0029143, OMIM 618147.

Submission:

Laboratory of Medical Genetics, National & Kapodistrian University of Athens
Classification: Uncertain significance for Intellectual developmental disorder with hypertelorism and distinctive facies. Last evaluated: 2022-01-12. Review status: criteria provided, single submitter. Criteria: ACMG Guidelines, 2015. Collection method: clinical testing. Allele origin: maternal. Affected: yes.
Comment: PVS1_supporting, PM2